The following is an entry in ClinVar:

ClinVar aggregate classification (germline): Uncertain significance (1 of 4 stars; one submission).

Conditions:
Cardiovascular phenotype. Identifiers: MedGen CN230736.

gnomAD v4.1: 1 of 1,613,204 alleles (0.000062%); no homozygotes.

Submission:

Ambry Genetics
Classification: Uncertain significance for Cardiovascular phenotype. Last evaluated: 2022-09-12. Review status: criteria provided, single submitter. Criteria: Ambry Variant Classification Scheme 2023. Collection method: clinical testing. Allele origin: germline.
Comment: The p.D66G variant (also known as c.197A>G), located in coding exon 1 of the TECRL gene, results from an A to G substitution at nucleotide position 197. The aspartic acid at codon 66 is replaced by glycine, an amino acid with similar properties. This amino acid position is conserved. In addition, the in silico prediction for this alteration is inconclusive. Since supporting evidence is limited at this time, the clinical significance of this alteration remains unclear.

NM_001010874.5(TECRL):c.197A>G (p.Asp66Gly)

Gene: TECRL (trans-2,3-enoyl-CoA reductase like; minus strand). Cytogenetic location: 4q13.1.
Variant type: single nucleotide variant.
Coding change: c.197A>G on transcript NM_001010874.5 (MANE Select); coding-DNA position 197, A replaced by G.
Protein change: p.Asp66Gly; replaces aspartic acid 66 with glycine.
Molecular consequence: missense variant.
Genome position (GRCh38, 1-based): chr4:64,409,155, T>C on the plus strand (A>G on the coding strand, the complement: TECRL is on the minus strand). VCF-style: chr4-64409155-T-C. GRCh37 (hg19) VCF-style: chr4-65274873-T-C.
Other names: c.197A>G, p.Asp66Gly (NM_001363796.1); short protein forms D66G.
Identifiers: ClinVar variation 1783771 (VCV001783771.2), dbSNP rs2475860946, ClinGen allele CA357148820.